The following is an entry in ClinVar:

NM_002474.3(MYH11):c.3807C>A (p.Ser1269Arg)

Gene: MYH11 (myosin heavy chain 11; minus strand). Cytogenetic location: 16p13.11.
Variant type: single nucleotide variant.
Coding change: c.3807C>A on transcript NM_002474.3 (MANE Select); coding-DNA position 3807, C replaced by A.
Protein change: p.Ser1269Arg; replaces serine 1269 with arginine.
Molecular consequence: missense variant.
Genome position (GRCh38, 1-based): chr16:15,726,899, G>T on the plus strand (C>A on the coding strand, the complement: MYH11 is on the minus strand). VCF-style: chr16-15726899-G-T. GRCh37 (hg19) VCF-style: chr16-15820756-G-T.
Other names: c.3828C>A, p.Ser1276Arg (NM_001040113.2, NM_001040114.2); c.3807C>A, p.Ser1269Arg (NM_022844.3); short protein forms S1276R, S1269R.
Identifiers: ClinVar variation 1735111 (VCV001735111.10), dbSNP rs773533472, ClinGen allele CA7921887.

ClinVar aggregate classification (germline): Uncertain significance. Review status: criteria provided, multiple submitters, no conflicts (2 of 4 stars). 5 submissions from 5 submitters: Uncertain significance (5). Last evaluated 2025-07-18.

Conditions:
Familial thoracic aortic aneurysm and aortic dissection (TAAD). Also called: Thoracic aortic aneurysms and dissections. Identifiers: Orphanet 91387, MedGen C4707243, MONDO:0019625.
Aortic aneurysm, familial thoracic 4 (AAT4). Also called: AORTIC ANEURYSM/AORTIC DISSECTION AND PATENT DUCTUS ARTERIOSUS. Identifiers: MedGen C1851504, MONDO:0007568, OMIM 132900.

Allele frequency attached by ClinVar (database versions not stated): ExAC 0.00001.
gnomAD v4.1: 9 of 1,612,414 alleles (0.00056%); highest among the groups gnomAD compares: Non-Finnish European, 0.00068%; no homozygotes.

Submissions (5):

GeneDx
Classification: Uncertain significance. Last evaluated: 2025-07-18. Review status: criteria provided, single submitter. Criteria: GeneDx Variant Classification Process June 2021. Collection method: clinical testing. Allele origin: germline. Affected: yes.
Comment: Not observed at significant frequency in large population cohorts (gnomAD); In silico analysis suggests that this missense variant does not alter protein structure/function; Has not been previously published as pathogenic or benign to our knowledge

Labcorp Genetics (formerly Invitae), Labcorp
Classification: Uncertain significance for Aortic aneurysm, familial thoracic 4. Last evaluated: 2025-01-07. Review status: criteria provided, single submitter. Criteria: Invitae Variant Classification Sherloc (09022015). Collection method: clinical testing. Allele origin: germline.
Comment: This sequence change replaces serine, which is neutral and polar, with arginine, which is basic and polar, at codon 1276 of the MYH11 protein (p.Ser1276Arg). This variant is present in population databases (rs773533472, gnomAD 0.0009%). This variant has not been reported in the literature in individuals affected with MYH11-related conditions. ClinVar contains an entry for this variant (Variation ID: 1735111). Invitae Evidence Modeling of protein sequence and biophysical properties (such as structural, functional, and spatial information, amino acid conservation, physicochemical variation, residue mobility, and thermodynamic stability) indicates that this missense variant is not expected to disrupt MYH11 protein function with a negative predictive value of 95%. In summary, the available evidence is currently insufficient to determine the role of this variant in disease. Therefore, it has been classified as a Variant of Uncertain Significance.

Ambry Genetics
Classification: Uncertain significance for Familial thoracic aortic aneurysm and aortic dissection. Last evaluated: 2024-07-14. Review status: criteria provided, single submitter. Criteria: Ambry Variant Classification Scheme 2023. Collection method: clinical testing. Allele origin: germline.
Comment: The p.S1269R variant (also known as c.3807C>A), located in coding exon 27 of the MYH11 gene, results from a C to A substitution at nucleotide position 3807. The serine at codon 1269 is replaced by arginine, an amino acid with dissimilar properties. This amino acid position is conserved. In addition, this alteration is predicted to be tolerated by in silico analysis. Since supporting evidence is limited at this time, the clinical significance of this alteration remains unclear.

All of Us Research Program, National Institutes of Health
Classification: Uncertain significance for Familial thoracic aortic aneurysm and aortic dissection. Last evaluated: 2024-06-17. Review status: criteria provided, single submitter. Criteria: ACMG Guidelines, 2015. Collection method: clinical testing. Allele origin: germline. Inheritance: Autosomal dominant inheritance. Observed: 4 variant alleles, 4 heterozygotes.
Comment: This missense variant replaces serine with arginine at codon 1276 of the MYH11 protein. Computational prediction suggests that this variant may not impact protein structure and function (internally defined REVEL score threshold <= 0.5, PMID: 27666373). To our knowledge, functional studies have not been reported for this variant. This variant has not been reported in individuals affected with cardiovascular disorders in the literature. This variant has been identified in 1/250410 chromosomes in the general population by the Genome Aggregation Database (gnomAD). The available evidence is insufficient to determine the role of this variant in disease conclusively. Therefore, this variant is classified as a Variant of Uncertain Significance.

This study involves interpretation of variants in research participants for the purpose of population health screening. Participant phenotype was not available at the time of variant classification. Additional details can be found in publication PMID: 35346344, PMCID: PMC8962531

Color Diagnostics, LLC DBA Color Health
Classification: Uncertain significance for Familial thoracic aortic aneurysm and aortic dissection. Last evaluated: 2024-03-07. Review status: criteria provided, single submitter. Criteria: ACMG Guidelines, 2015. Collection method: clinical testing. Allele origin: germline.
Comment: This missense variant replaces serine with arginine at codon 1276 of the MYH11 protein. Computational prediction suggests that this variant may not impact protein structure and function. To our knowledge, functional studies have not been reported for this variant. This variant has not been reported in individuals affected with MYH11-related disorders in the literature. This variant has been identified in 1/250410 chromosomes in the general population by the Genome Aggregation Database (gnomAD). The available evidence is insufficient to determine the role of this variant in disease conclusively. Therefore, this variant is classified as a Variant of Uncertain Significance.